The following is an entry in ClinVar:

ClinVar aggregate classification (germline): Benign/Likely benign. Review status: criteria provided, multiple submitters, no conflicts (2 of 4 stars). 12 submissions from 11 submitters: Benign (6); Likely benign (4). 2 of the submissions do not count toward it. Last evaluated 2026-09-01.

Conditions:
Familial cutaneous telangiectasia and oropharyngeal predisposition cancer syndrome. Identifiers: Orphanet 313846, MedGen C3281203, MONDO:0013806, OMIM 614564.
Seckel syndrome 1 (SCKL1). Also called: MICROCEPHALIC PRIMORDIAL DWARFISM I. Identifiers: Orphanet 808, MedGen C4551474, MONDO:0008869, OMIM 210600.

Allele frequency attached by ClinVar (database versions not stated): 1000 Genomes Project 0.00240; TOPMed 0.00277; ESP Exome Variant Server 0.00338; gnomAD exomes 0.00596 and 0.00847; ExAC 0.00757; gnomAD 0.00778 and 0.00813; 1000 Genomes Project 30x 0.00203.
gnomAD v4.1: 9,766 of 1,614,130 alleles (0.61%); highest among the groups gnomAD compares: Non-Finnish European, 0.49%; 142 homozygotes.

Submissions (12):

CeGaT Center for Human Genetics Tuebingen
Classification: Likely benign. Last evaluated: 2026-09-01. Review status: criteria provided, single submitter. Criteria: CeGaT Center For Human Genetics Tuebingen Variant Classification Criteria Version 2. Collection method: clinical testing. Allele origin: germline. Affected: yes. Observed: 98 variant alleles.
Comment: ATR: BP4, BS2

Labcorp Genetics (formerly Invitae), Labcorp
Classification: Benign. Last evaluated: 2026-02-01. Review status: criteria provided, single submitter. Criteria: Invitae Variant Classification Sherloc (09022015). Collection method: clinical testing. Allele origin: germline.

Blueprint Genetics
Classification: Likely benign. Last evaluated: 2024-11-22. Review status: criteria provided, single submitter. Criteria: ACMG Guidelines, 2015. Collection method: clinical testing. Allele origin: germline.

Genome-Nilou Lab
Classification: Benign for Seckel syndrome 1. Last evaluated: 2023-02-08. Review status: criteria provided, single submitter. Criteria: ACMG Guidelines, 2015. Collection method: clinical testing. Allele origin: germline.

Genome-Nilou Lab
Classification: Benign for Familial cutaneous telangiectasia and oropharyngeal predisposition cancer syndrome. Last evaluated: 2023-02-08. Review status: criteria provided, single submitter. Criteria: ACMG Guidelines, 2015. Collection method: clinical testing. Allele origin: germline.

GeneDx
Classification: Benign. Last evaluated: 2020-02-06. Review status: criteria provided, single submitter. Criteria: GeneDx Variant Classification Process June 2021. Collection method: clinical testing. Allele origin: germline. Affected: yes.
Comment: This variant is associated with the following publications: (PMID: 17010193)

Illumina Laboratory Services, Illumina
Classification: Likely benign for Seckel syndrome 1. Last evaluated: 2018-01-13. Review status: criteria provided, single submitter. Criteria: ICSL Variant Classification Criteria 13 December 2019. Collection method: clinical testing. Allele origin: germline.
Comment: This variant was observed in the ICSL laboratory as part of a predisposition screen in an ostensibly healthy population. It had not been previously curated by ICSL or reported in the Human Gene Mutation Database (HGMD: prior to June 1st, 2018), and was therefore a candidate for classification through an automated scoring system. Utilizing variant allele frequency, disease prevalence and penetrance estimates, and inheritance mode, an automated score was calculated to assess if this variant is too frequent to cause the disease. Based on the score and internal cut-off values, a variant classified as likely benign is not then subjected to further curation. The score for this variant resulted in a classification of likely benign for this disease.

Genetic Services Laboratory, University of Chicago
Classification: Benign. Last evaluated: 2016-07-05. Review status: criteria provided, single submitter. Criteria: ACMG Guidelines, 2015. Collection method: clinical testing. Allele origin: germline. Affected: no.

Center for Pediatric Genomic Medicine, Children's Mercy Hospital and Clinics
Classification: Benign. Last evaluated: 2015-11-23. Review status: criteria provided, single submitter. Criteria: ACMG Guidelines, 2015. Collection method: clinical testing. Allele origin: germline.

Breakthrough Genomics
Classification: Likely benign. Review status: criteria provided, single submitter. Criteria: ACMG Guidelines, 2015. Collection method: not provided. Allele origin: germline. Inheritance: Autosomal recessive inheritance. Affected: yes.

Clinical Genetics DNA and cytogenetics Diagnostics Lab, Erasmus MC, Erasmus Medical Center
Classification: Likely benign. Review status: no assertion criteria provided. Collection method: clinical testing. Allele origin: germline. Affected: yes. Study: VKGL Data-share Consensus. Not counted in ClinVar's aggregate classification.

Laboratory of Diagnostic Genome Analysis, Leiden University Medical Center (LUMC)
Classification: Likely benign. Review status: no assertion criteria provided. Collection method: clinical testing. Allele origin: germline. Affected: yes. Study: VKGL Data-share Consensus. Not counted in ClinVar's aggregate classification.

NM_001184.4(ATR):c.268C>T (p.His90Tyr)

Gene: ATR (ATR checkpoint kinase; minus strand). Cytogenetic location: 3q23.
Variant type: single nucleotide variant.
Coding change: c.268C>T on transcript NM_001184.4 (MANE Select); coding-DNA position 268, C replaced by T.
Protein change: p.His90Tyr; replaces histidine 90 with tyrosine.
Molecular consequence: missense variant.
Genome position (GRCh38, 1-based): chr3:142,566,145, G>A on the plus strand (C>T on the coding strand, the complement: ATR is on the minus strand). VCF-style: chr3-142566145-G-A. GRCh37 (hg19) VCF-style: chr3-142284987-G-A.
Other names: c.268C>T, p.His90Tyr (NM_001354579.2); short protein forms H90Y.
Identifiers: ClinVar variation 235760 (VCV000235760.52), dbSNP rs28897763, ClinGen allele CA2650812.